The following is an entry in ClinVar:

NM_014159.7(SETD2):c.7060A>G (p.Thr2354Ala)

Gene: SETD2 (SET domain containing 2, histone lysine methyltransferase; minus strand). Cytogenetic location: 3p21.31.
Variant type: single nucleotide variant.
Coding change: c.7060A>G on transcript NM_014159.7 (MANE Select); coding-DNA position 7060, A replaced by G.
Protein change: p.Thr2354Ala; replaces threonine 2354 with alanine.
Molecular consequence: missense variant. On other transcripts: non-coding transcript variant (1).
Genome position (GRCh38, 1-based): chr3:47,046,525, T>C on the plus strand (A>G on the coding strand, the complement: SETD2 is on the minus strand). VCF-style: chr3-47046525-T-C. GRCh37 (hg19) VCF-style: chr3-47088015-T-C.
Other names: p.Thr2354Ala; c.6928A>G, p.Thr2310Ala (NM_001349370.3); short protein forms T2354A, T2310A.
Identifiers: ClinVar variation 475537 (VCV000475537.13), dbSNP rs145377213, ClinGen allele CA2362603.
Genomic context (GRCh38, chr3:47,046,525, plus strand): 5'-TAACAACTGAAACATTTCTTACTGGCTGCAAGGGCTGAGGCTGCCCTGGTGCAACTATTG[T>C]AGTCACTGCTGCGGCTGGCTGTACCACCACTCCTTGTGGATGAGCTGTGAAAATCTGTTG-3'
Protein context (NP_054878.5, residues 2344-2364): VVVQPAAAVT[Thr2354Ala]IVAPGQPQPL

ClinVar aggregate classification (germline): Benign/Likely benign. Review status: criteria provided, multiple submitters, no conflicts (2 of 4 stars). 6 submissions from 6 submitters: Benign (1); Likely benign (2). 3 of the submissions do not count toward it. Last evaluated 2025-07-11.

Conditions:
SETD2-related disorder.
Inborn genetic diseases. Identifiers: MedGen C0950123, MeSH D030342.
Luscan-Lumish syndrome. Identifiers: Orphanet 597738, MedGen C4085873, MONDO:0014791, OMIM 616831.

Allele frequency attached by ClinVar (database versions not stated): gnomAD exomes 0.00004 and 0.00009; TOPMed 0.00009; gnomAD 0.00011 and 0.00012; ExAC 0.00004; ESP Exome Variant Server 0.00008.
gnomAD v4.1: 139 of 1,612,416 alleles (0.0086%); highest among the groups gnomAD compares: Non-Finnish European, 0.012%; no homozygotes.

Submissions (6):

Mayo Clinic Laboratories, Mayo Clinic
Classification: Likely benign. Last evaluated: 2025-07-11. Review status: criteria provided, single submitter. Criteria: ACMG Guidelines, 2015. Collection method: clinical testing. Allele origin: germline. Observed: 1 variant allele.
Comment: BS2, BP4

Labcorp Genetics (formerly Invitae), Labcorp
Classification: Benign for Luscan-Lumish syndrome. Last evaluated: 2023-06-15. Review status: criteria provided, single submitter. Criteria: Invitae Variant Classification Sherloc (09022015). Collection method: clinical testing. Allele origin: germline.

Ambry Genetics
Classification: Likely benign for Inborn genetic diseases. Last evaluated: 2022-12-14. Review status: criteria provided, single submitter. Criteria: Ambry Variant Classification Scheme 2023. Collection method: clinical testing. Allele origin: germline.

PreventionGenetics, part of Exact Sciences
Classification: Likely benign for SETD2-related condition. Last evaluated: 2023-12-19. Review status: no assertion criteria provided. Collection method: clinical testing. Allele origin: germline. Not counted in ClinVar's aggregate classification.
Comment: This variant is classified as likely benign based on ACMG/AMP sequence variant interpretation guidelines (Richards et al. 2015 PMID: 25741868, with internal and published modifications).

Clinical Genetics DNA and cytogenetics Diagnostics Lab, Erasmus MC, Erasmus Medical Center
Classification: Likely benign. Review status: no assertion criteria provided. Collection method: clinical testing. Allele origin: germline. Affected: yes. Study: VKGL Data-share Consensus. Not counted in ClinVar's aggregate classification.

Laboratory of Diagnostic Genome Analysis, Leiden University Medical Center (LUMC)
Classification: Likely benign. Review status: no assertion criteria provided. Collection method: clinical testing. Allele origin: germline. Affected: yes. Study: VKGL Data-share Consensus. Not counted in ClinVar's aggregate classification.